The following is an entry in ClinVar:

NM_001142966.3(GREB1L):c.5030C>A (p.Thr1677Asn)

Gene: GREB1L (GREB1 like retinoic acid receptor coactivator; plus strand). Cytogenetic location: 18q11.2.
Variant type: single nucleotide variant.
Coding change: c.5030C>A on transcript NM_001142966.3 (MANE Select); coding-DNA position 5030, C replaced by A.
Protein change: p.Thr1677Asn; replaces threonine 1677 with asparagine.
Molecular consequence: missense variant.
Genome position (GRCh38, 1-based): chr18:21,515,545, C>A. VCF-style: chr18-21515545-C-A. GRCh37 (hg19) VCF-style: chr18-19095506-C-A.
Other names: c.5159C>A, p.Thr1720Asn (NM_001410867.1); c.4703C>A, p.Thr1568Asn (NM_001410868.1); short protein forms T1568N, T1677N, T1720N.
Identifiers: ClinVar variation 2635727 (VCV002635727.1), dbSNP rs1382821850, ClinGen allele CA401734428.

ClinVar aggregate classification (germline): Uncertain significance (1 of 4 stars; one submission).

Conditions:
GREB1L-related disorder. Also called: GREB1L-related condition.

Allele frequency attached by ClinVar (database versions not stated): gnomAD 0.00001; gnomAD exomes 0.00001; TOPMed 0.00001.
gnomAD v4.1: 5 of 1,551,544 alleles (0.00032%); highest among the groups gnomAD compares: Admixed American, 0.0039%; no homozygotes.

Submission:

PreventionGenetics, part of Exact Sciences
Classification: Uncertain significance for GREB1L-related condition. Last evaluated: 2023-08-18. Review status: criteria provided, single submitter. Criteria: ACMG Guidelines, 2015. Collection method: clinical testing. Allele origin: germline.
Comment: The GREB1L c.5030C>A variant is predicted to result in the amino acid substitution p.Thr1677Asn. To our knowledge, this variant has not been reported in the literature. This variant is reported in 0.0041% of alleles in individuals of Latino descent in gnomAD. At this time, the clinical significance of this variant is uncertain due to the absence of conclusive functional and genetic evidence.